The following is an entry in ClinVar:

ClinVar aggregate classification (germline): Uncertain significance (1 of 4 stars; one submission).

Allele frequency attached by ClinVar (database versions not stated): gnomAD exomes below 0.00001.
gnomAD v4.1: 2 of 1,614,062 alleles (0.00012%); highest among the groups gnomAD compares: Non-Finnish European, 0.00017%; no homozygotes.

Submission:

Labcorp Genetics (formerly Invitae), Labcorp
Classification: Uncertain significance. Last evaluated: 2023-06-27. Review status: criteria provided, single submitter. Criteria: Invitae Variant Classification Sherloc (09022015). Collection method: clinical testing. Allele origin: germline.
Comment: In summary, the available evidence is currently insufficient to determine the role of this variant in disease. Therefore, it has been classified as a Variant of Uncertain Significance. Advanced modeling of protein sequence and biophysical properties (such as structural, functional, and spatial information, amino acid conservation, physicochemical variation, residue mobility, and thermodynamic stability) performed at Invitae indicates that this missense variant is expected to disrupt IMPG2 protein function. This variant has not been reported in the literature in individuals affected with IMPG2-related conditions. This variant is not present in population databases (gnomAD no frequency). This sequence change replaces tyrosine, which is neutral and polar, with cysteine, which is neutral and slightly polar, at codon 991 of the IMPG2 protein (p.Tyr991Cys).

NM_016247.4(IMPG2):c.2972A>G (p.Tyr991Cys)

Gene: IMPG2 (interphotoreceptor matrix proteoglycan 2; minus strand). Cytogenetic location: 3q12.3.
Variant type: single nucleotide variant.
Coding change: c.2972A>G on transcript NM_016247.4 (MANE Select); coding-DNA position 2972, A replaced by G.
Protein change: p.Tyr991Cys; replaces tyrosine 991 with cysteine.
Molecular consequence: missense variant.
Genome position (GRCh38, 1-based): chr3:101,242,738, T>C on the plus strand (A>G on the coding strand, the complement: IMPG2 is on the minus strand). VCF-style: chr3-101242738-T-C. GRCh37 (hg19) VCF-style: chr3-100961582-T-C.
Other names: short protein forms Y991C.
Identifiers: ClinVar variation 2703845 (VCV002703845.3), dbSNP rs2508940373, ClinGen allele CA353853160.